The following is an entry in ClinVar:

ClinVar aggregate classification (germline): Uncertain significance (1 of 4 stars; one submission).

Conditions:
BAP1-related tumor predisposition syndrome (TPDS1). Also called: BAP1 tumor predisposition syndrome; TUMOR PREDISPOSITION SYNDROME 1; Tumor susceptibility linked to germline BAP1 mutations; COMMON Syndrome. Identifiers: Orphanet 289539, MedGen C3280492, MONDO:0013692, OMIM 614327.

Submission:

Labcorp Genetics (formerly Invitae), Labcorp
Classification: Uncertain significance for BAP1-related tumor predisposition syndrome. Last evaluated: 2020-12-25. Review status: criteria provided, single submitter. Criteria: Invitae Variant Classification Sherloc (09022015). Collection method: clinical testing. Allele origin: germline.
Comment: This variant has not been reported in the literature in individuals with BAP1-related conditions. This variant is not present in population databases (ExAC no frequency). This sequence change replaces glutamic acid with lysine at codon 20 of the BAP1 protein (p.Glu20Lys). The glutamic acid residue is highly conserved and there is a small physicochemical difference between glutamic acid and lysine. In summary, the available evidence is currently insufficient to determine the role of this variant in disease. Therefore, it has been classified as a Variant of Uncertain Significance. Algorithms developed to predict the effect of missense changes on protein structure and function are either unavailable or do not agree on the potential impact of this missense change (SIFT: "Tolerated"; PolyPhen-2: "Probably Damaging"; Align-GVGD: "Class C0").

NM_004656.4(BAP1):c.58G>A (p.Glu20Lys)

Gene: BAP1 (BRCA1 associated deubiquitinase 1; minus strand). Cytogenetic location: 3p21.1.
Variant type: single nucleotide variant.
Coding change: c.58G>A on transcript NM_004656.4 (MANE Select); coding-DNA position 58, G replaced by A.
Protein change: p.Glu20Lys; replaces glutamic acid 20 with lysine.
Molecular consequence: missense variant.
Genome position (GRCh38, 1-based): chr3:52,409,723, C>T on the plus strand (G>A on the coding strand, the complement: BAP1 is on the minus strand). VCF-style: chr3-52409723-C-T. GRCh37 (hg19) VCF-style: chr3-52443739-C-T.
Other names: short protein forms E20K.
Identifiers: ClinVar variation 1387513 (VCV001387513.8), dbSNP rs2153228621, ClinGen allele CA353114892.
Genomic context (GRCh38, chr3:52,409,723, plus strand): 5'-GCAGGGGTGGGCCGCCACAGCCCCGGTCCGGCAGGGAGAAAAGGCTCTTACCGAAATCTT[C>T]CACGAGCAGGGTGAAGAGGCCTGGGTGGGGCGACAAGAGGAGGGGGTGATGGTCAGGCAG-3'
Protein context (NP_004647.1, residues 10-30): SDPGLFTLLV[Glu20Lys]DFGVKGVQVE